The following is an entry in ClinVar:

NM_002242.4(KCNJ13):c.563T>A (p.Ile188Asn)

Genes: GIGYF2 (GRB10 interacting GYF protein 2; plus strand), KCNJ13 (potassium inwardly rectifying channel subfamily J member 13; minus strand). Cytogenetic location: 2q37.1.
Variant type: single nucleotide variant.
Coding change: c.563T>A on transcript NM_002242.4 (MANE Select); coding-DNA position 563, T replaced by A.
Protein change: p.Ile188Asn; replaces isoleucine 188 with asparagine.
Molecular consequence: missense variant. On other transcripts: 3 prime UTR variant (1), intron variant (4).
Genome position (GRCh38, 1-based): chr2:232,768,711, A>T on the plus strand (T>A on the coding strand, the complement: KCNJ13 is on the minus strand). VCF-style: chr2-232768711-A-T. GRCh37 (hg19) VCF-style: chr2-233633421-A-T.
Other names: c.*42T>A (NM_001172416.1); c.323T>A, p.Ile108Asn (NM_001172417.1); c.532+7275A>T (NM_001103146.3, NM_015575.4, NM_001103147.2 and 1 more transcripts); short protein forms I108N, I188N.
Identifiers: ClinVar variation 3658809 (VCV003658809.2).

ClinVar aggregate classification (germline): Uncertain significance (1 of 4 stars; one submission).

Submission:

Labcorp Genetics (formerly Invitae), Labcorp
Classification: Uncertain significance. Last evaluated: 2024-07-05. Review status: criteria provided, single submitter. Criteria: Invitae Variant Classification Sherloc (09022015). Collection method: clinical testing. Allele origin: germline.
Comment: This sequence change replaces isoleucine, which is neutral and non-polar, with asparagine, which is neutral and polar, at codon 188 of the KCNJ13 protein (p.Ile188Asn). This variant is not present in population databases (gnomAD no frequency). This variant has not been reported in the literature in individuals affected with KCNJ13-related conditions. Advanced modeling of protein sequence and biophysical properties (such as structural, functional, and spatial information, amino acid conservation, physicochemical variation, residue mobility, and thermodynamic stability) performed at Invitae indicates that this missense variant is not expected to disrupt KCNJ13 protein function with a negative predictive value of 80%. In summary, the available evidence is currently insufficient to determine the role of this variant in disease. Therefore, it has been classified as a Variant of Uncertain Significance.